The following is an entry in ClinVar:

ClinVar aggregate classification (germline): Uncertain significance (1 of 4 stars; one submission).

Conditions:
Distichiasis-lymphedema syndrome. Also called: LYMPHEDEMA WITH DISTICHIASIS. Identifiers: Orphanet 33001, MedGen C0265345, MONDO:0007922, OMIM 153400.

Submission:

3billion
Classification: Uncertain significance for Distichiasis-lymphedema syndrome. Last evaluated: 2024-09-04. Review status: criteria provided, single submitter. Criteria: ACMG Guidelines, 2015. Collection method: clinical testing. Allele origin: germline. Affected: yes.
Comment: The variant is not observed in the gnomAD v4.0.0 dataset. Predicted Consequence/Location: Missense variant In silico tool predictions suggest damaging effect of the variant on gene or gene product [REVEL: 0.95 (>=0.6, sensitivity 0.68 and specificity 0.92); 3Cnet: 0.82 (>=0.6, sensitivity 0.72 and precision 0.9)]. Therefore, this variant is classified as VUS according to the recommendation of ACMG/AMP guideline.

NM_005251.3(FOXC2):c.217C>T (p.Pro73Ser)

Genes: FOXC2 (forkhead box C2; plus strand), FOXC2-AS1 (FOXC2 antisense RNA 1; minus strand). Cytogenetic location: 16q24.1.
Variant type: single nucleotide variant.
Coding change: c.217C>T on transcript NM_005251.3 (MANE Select); coding-DNA position 217, C replaced by T.
Protein change: p.Pro73Ser; replaces proline 73 with serine.
Molecular consequence: missense variant.
Genome position (GRCh38, 1-based): chr16:86,567,552, C>T. VCF-style: chr16-86567552-C-T. GRCh37 (hg19) VCF-style: chr16-86601158-C-T.
Other names: short protein forms P73S.
Identifiers: ClinVar variation 4293502 (VCV004293502.1).